The following is an entry in ClinVar:

ClinVar aggregate classification (germline): Uncertain significance. Review status: criteria provided, multiple submitters, no conflicts (2 of 4 stars). 2 submissions from 2 submitters: Uncertain significance (2). Last evaluated 2025-06-22.

Conditions:
Inborn genetic diseases. Identifiers: MedGen C0950123, MeSH D030342.

Allele frequency attached by ClinVar (database versions not stated): gnomAD 0.00003 and 0.00004; TOPMed 0.00003.
gnomAD v4.1: 17 of 1,596,302 alleles (0.0011%); highest among the groups gnomAD compares: Non-Finnish European, 0.0015%; no homozygotes.

Submissions (2):

Ambry Genetics
Classification: Uncertain significance for Inborn genetic diseases. Last evaluated: 2025-06-22. Review status: criteria provided, single submitter. Criteria: Ambry Variant Classification Scheme 2023. Collection method: clinical testing. Allele origin: germline.

Labcorp Genetics (formerly Invitae), Labcorp
Classification: Uncertain significance. Last evaluated: 2022-03-07. Review status: criteria provided, single submitter. Criteria: Invitae Variant Classification Sherloc (09022015). Collection method: clinical testing. Allele origin: germline.
Comment: This sequence change replaces glutamic acid, which is acidic and polar, with aspartic acid, which is acidic and polar, at codon 221 of the PEPD protein (p.Glu221Asp). This variant is present in population databases (no rsID available, gnomAD 0.007%). This variant has not been reported in the literature in individuals affected with PEPD-related conditions. Algorithms developed to predict the effect of missense changes on protein structure and function are either unavailable or do not agree on the potential impact of this missense change (SIFT: "Tolerated"; PolyPhen-2: "Possibly Damaging"; Align-GVGD: "Class C0"). In summary, the available evidence is currently insufficient to determine the role of this variant in disease. Therefore, it has been classified as a Variant of Uncertain Significance.

NM_000285.4(PEPD):c.663G>C (p.Glu221Asp)

Gene: PEPD (peptidase D; minus strand). Cytogenetic location: 19q13.11.
Variant type: single nucleotide variant.
Coding change: c.663G>C on transcript NM_000285.4 (MANE Select); coding-DNA position 663, G replaced by C.
Protein change: p.Glu221Asp; replaces glutamic acid 221 with aspartic acid.
Molecular consequence: missense variant. On other transcripts: intron variant (1).
Genome position (GRCh38, 1-based): chr19:33,463,003, C>G on the plus strand (G>C on the coding strand, the complement: PEPD is on the minus strand). VCF-style: chr19-33463003-C-G. GRCh37 (hg19) VCF-style: chr19-33953909-C-G.
Other names: c.663G>C (NM_000285.3); c.471G>C, p.Glu157Asp (NM_001166057.2); c.548+15043G>C (NM_001166056.2); short protein forms E157D, E221D.
Identifiers: ClinVar variation 1372905 (VCV001372905.6), dbSNP rs1380724006, ClinGen allele CA405230573.
Genomic context (GRCh38, chr19:33,463,003, plus strand): 5'-AAATTACTGTTTTTTACCTTTTAATTTTACCCGGAGAAACATGGTGGCTTACCTTTCCAA[C>G]TCATATTCTTTCATTCCCACTTTTACAGCCTTCATTACCTGGAGGACGGATATTAAGCAA-3'
Protein context (NP_000276.2, residues 211-231): KAVKVGMKEY[Glu221Asp]LESLFEHYCY